The following is an entry in ClinVar:

ClinVar aggregate classification (germline): Likely benign. Review status: criteria provided, single submitter (1 of 4 stars). 2 submissions from 2 submitters: Likely benign (1). 1 of the submissions does not count toward it. Last evaluated 2025-10-07.

Conditions:
FGFR3-related disorder. Also called: FGFR3-related disorders.

Allele frequency attached by ClinVar (database versions not stated): gnomAD exomes 0.00001; TOPMed below 0.00001.

Submissions (2):

Labcorp Genetics (formerly Invitae), Labcorp
Classification: Likely benign. Last evaluated: 2025-10-07. Review status: criteria provided, single submitter. Criteria: Invitae Variant Classification Sherloc (09022015). Collection method: clinical testing. Allele origin: germline.

PreventionGenetics, part of Exact Sciences
Classification: Likely benign for FGFR3-related condition. Last evaluated: 2021-03-11. Review status: no assertion criteria provided. Collection method: clinical testing. Allele origin: germline. Not counted in ClinVar's aggregate classification.
Comment: This variant is classified as likely benign based on ACMG/AMP sequence variant interpretation guidelines (Richards et al. 2015 PMID: 25741868, with internal and published modifications).

NM_000142.5(FGFR3):c.84G>A (p.Glu28=)

Gene: FGFR3 (fibroblast growth factor receptor 3; plus strand). Cytogenetic location: 4p16.3.
Variant type: single nucleotide variant.
Coding change: c.84G>A on transcript NM_000142.5 (MANE Select); coding-DNA position 84, G replaced by A.
Protein change: p.Glu28=; no amino-acid change (glutamic acid 28 retained).
Molecular consequence: synonymous variant. On other transcripts: non-coding transcript variant (1).
Genome position (GRCh38, 1-based): chr4:1,794,018, G>A. VCF-style: chr4-1794018-G-A. GRCh37 (hg19) VCF-style: chr4-1795745-G-A.
Other names: c.84G>A, p.Glu28= (NM_001163213.2, NM_001354809.2, NM_001354810.2 and 1 more transcripts).
Identifiers: ClinVar variation 2153419 (VCV002153419.6), dbSNP rs1490812161, ClinGen allele CA437966215.